The following is an entry in ClinVar:

ClinVar aggregate classification (germline): Likely pathogenic (0 of 4 stars; one submission).

Conditions:
ODAPH-related disorder. Also called: ODAPH-related condition.

gnomAD v4.1: 5 of 1,614,000 alleles (0.00031%); highest among the groups gnomAD compares: Non-Finnish European, 0.00042%; no homozygotes.

Submission:

PreventionGenetics, part of Exact Sciences
Classification: Likely pathogenic for ODAPH-related condition. Last evaluated: 2024-06-25. Review status: no assertion criteria provided. Collection method: clinical testing. Allele origin: germline.
Comment: The ODAPH c.68-2A>G variant is predicted to disrupt the AG splice acceptor site and interfere with normal splicing. To our knowledge, this variant has not been reported in the literature or in the large population database gnomAD, indicating this variant is rare. An alternate substitution of this nucleotide (c.68-2A>T) has been reported in the homozygous state in multiple individuals in a kindred with amelogenesis imperfecta (Parry et al. 2012. PubMed ID: 22901946). Variants that disrupt the consensus splice acceptor site in ODAPH are expected to be pathogenic. This variant is interpreted as likely pathogenic.

NM_178497.5(ODAPH):c.68-2A>G

Gene: ODAPH (odontogenesis associated phosphoprotein; plus strand). Cytogenetic location: 4q21.1.
Variant type: single nucleotide variant.
Coding change: c.68-2A>G on transcript NM_178497.5 (MANE Select); the canonical splice acceptor site of the intron before coding-DNA position 68, A replaced by G.
Molecular consequence: splice acceptor variant.
Genome position (GRCh38, 1-based): chr4:75,564,112, A>G. VCF-style: chr4-75564112-A-G. GRCh37 (hg19) VCF-style: chr4-76489322-A-G.
Other names: c.68-2A>G (NM_001257072.2); c.112-2A>G (NM_001206981.2).
Identifiers: ClinVar variation 3357780 (VCV003357780.1).